The following is an entry in ClinVar:

NM_000925.4(PDHB):c.122_123del (p.Gln41fs)

Gene: PDHB (pyruvate dehydrogenase E1 subunit beta; minus strand). Cytogenetic location: 3p14.3.
Variant type: Deletion.
Coding change: c.122_123del on transcript NM_000925.4 (MANE Select); coding-DNA positions 122 to 123, 2 bases deleted (AG; older notation c.122_123delAG).
Protein change: p.Gln41fs; shifts the reading frame from glutamine 41.
Molecular consequence: frameshift variant. On other transcripts: non-coding transcript variant (1).
Genome position (GRCh38, 1-based): chr3:58,431,958-58,431,959, CT deleted on the plus strand (AG on the coding strand, the reverse complement: PDHB is on the minus strand). VCF-style (leftmost placement, unchanged base first): chr3-58431957-CCT-C. GRCh37 (hg19) VCF-style: chr3-58417684-CCT-C.
Other names: c.122_123del, p.Gln41fs (NM_001173468.2); c.68_69del, p.Gln23fs (NM_001315536.2); short protein forms Q23fs, Q41fs.
Identifiers: ClinVar variation 1984417 (VCV001984417.6), dbSNP rs778727916, ClinGen allele CA2471642.

ClinVar aggregate classification (germline): Pathogenic/Likely pathogenic. Review status: criteria provided, multiple submitters, no conflicts (2 of 4 stars). 2 submissions from 2 submitters: Pathogenic (1); Likely pathogenic (1). Last evaluated 2024-01-24.

Conditions:
Pyruvate dehydrogenase E1-beta deficiency (PDHBD). Identifiers: Orphanet 255138, Orphanet 765, MedGen C3279841, MONDO:0013580, OMIM 614111.

Allele frequency attached by ClinVar (database versions not stated): gnomAD exomes below 0.00001; ExAC 0.00001.

Submissions (2):

Baylor Genetics
Classification: Likely pathogenic for Pyruvate dehydrogenase E1-beta deficiency. Last evaluated: 2024-01-24. Review status: criteria provided, single submitter. Criteria: ACMG Guidelines, 2015. Collection method: clinical testing. Allele origin: unknown.

Labcorp Genetics (formerly Invitae), Labcorp
Classification: Pathogenic for Pyruvate dehydrogenase E1-beta deficiency. Last evaluated: 2023-03-23. Review status: criteria provided, single submitter. Criteria: Invitae Variant Classification Sherloc (09022015). Collection method: clinical testing. Allele origin: germline.
Comment: This sequence change creates a premature translational stop signal (p.Gln41Argfs*4) in the PDHB gene. It is expected to result in an absent or disrupted protein product. Loss-of-function variants in PDHB are known to be pathogenic (PMID: 21914562, 25356417). This variant is present in population databases (rs778727916, gnomAD 0.0009%). This variant has not been reported in the literature in individuals affected with PDHB-related conditions. ClinVar contains an entry for this variant (Variation ID: 1984417). For these reasons, this variant has been classified as Pathogenic.

Literature cited by the submitters: PubMed 21914562 (cited by Labcorp Genetics (formerly Invitae), Labcorp); PubMed 25356417 (cited by Labcorp Genetics (formerly Invitae), Labcorp).